The following is an entry in ClinVar:

ClinVar aggregate classification (germline): Conflicting classifications of pathogenicity. Review status: criteria provided, conflicting classifications (1 of 4 stars). 4 submissions from 4 submitters: Pathogenic (2); Benign (1). 1 of the submissions does not count toward it. Last evaluated 2026-06-15.

Conditions:
Charcot-Marie-Tooth disease type 2. Also called: Charcot-Marie-Tooth type 2. Identifiers: Orphanet 64746, MedGen C0270914, MONDO:0018993.
Emery-Dreifuss muscular dystrophy 2, autosomal dominant (EDMD2). Also called: HAUPTMANN-THANNHAUSER MUSCULAR DYSTROPHY; Limb-girdle muscular dystrophy, type 1B; Muscular dystrophy, proximal, type 1B; Benign scapuloperoneal muscular dystrophy with cardiomyopathy; LMNA-Related Emery-Dreifuss Muscular Dystrophy, Autosomal; MUSCULAR DYSTROPHY WITH EARLY CONTRACTURES AND CARDIOMYOPATHY, AUTOSOMAL DOMINANT. Identifiers: Orphanet 261, Orphanet 264, MedGen C0410190, MONDO:0021569, OMIM 181350.

Submissions (4):

Bioscientia Institut fuer Medizinische Diagnostik GmbH, Sonic Healthcare
Classification: Pathogenic for Emery-Dreifuss muscular dystrophy 2, autosomal dominant. Last evaluated: 2026-06-15. Review status: criteria provided, single submitter. Criteria: ACMG Guidelines, 2015. Collection method: clinical testing. Allele origin: germline. Inheritance: Autosomal dominant inheritance. Affected: yes. Observed: 1 variant allele, 1 heterozygote.

Molecular Diagnostic Laboratory for Inherited Cardiovascular Disease, Montreal Heart Institute
Classification: Benign. Last evaluated: 2026-03-27. Review status: criteria provided, single submitter. Criteria: ACMG Guidelines, 2015. Collection method: clinical testing. Allele origin: germline. Affected: no.
Comment: BS1;BP4

Labcorp Genetics (formerly Invitae), Labcorp
Classification: Pathogenic for Charcot-Marie-Tooth disease type 2. Last evaluated: 2022-07-12. Review status: criteria provided, single submitter. Criteria: Invitae Variant Classification Sherloc (09022015). Collection method: clinical testing. Allele origin: germline.
Comment: This sequence change replaces glutamic acid, which is acidic and polar, with glycine, which is neutral and non-polar, at codon 33 of the LMNA protein (p.Glu33Gly). This variant is not present in population databases (gnomAD no frequency). This missense change has been observed in individual(s) with clinical features of autosomal dominant LMNA-related conditions and/or clinical features of dominant LMNA-related conditions (PMID: 16891232, 22491857; Invitae). In at least one individual the variant was observed to be de novo. ClinVar contains an entry for this variant (Variation ID: 66962). Algorithms developed to predict the effect of missense changes on protein structure and function (SIFT, PolyPhen-2, Align-GVGD) all suggest that this variant is likely to be disruptive. Experimental studies have shown that this missense change affects LMNA function (PMID: 31296869). This variant disrupts the p.Glu33 amino acid residue in LMNA. Other variant(s) that disrupt this residue have been observed in individuals with LMNA-related conditions (PMID: 14985400, 17377071), which suggests that this may be a clinically significant amino acid residue. For these reasons, this variant has been classified as Pathogenic.

Epithelial Biology;  Institute of Medical Biology, Singapore
No classification provided. Review status: no classification provided. Collection method: not provided. Allele origin: not provided. Not counted in ClinVar's aggregate classification.

Literature cited by the submitters: PubMed 14985400 (cited by Bioscientia Institut fuer Medizinische Diagnostik GmbH, Sonic Healthcare and Labcorp Genetics (formerly Invitae), Labcorp); PubMed 34862408 (cited by Bioscientia Institut fuer Medizinische Diagnostik GmbH, Sonic Healthcare); PubMed 16891232 (cited by Labcorp Genetics (formerly Invitae), Labcorp); PubMed 22491857 (cited by Labcorp Genetics (formerly Invitae), Labcorp); PubMed 31296869 (cited by Labcorp Genetics (formerly Invitae), Labcorp); PubMed 17377071 (cited by Labcorp Genetics (formerly Invitae), Labcorp).

NM_170707.4(LMNA):c.98A>G (p.Glu33Gly)

Genes: LMNA (lamin A/C; plus strand), LOC129931597 (ATAC-STARR-seq lymphoblastoid silent region 1421; plus strand). Cytogenetic location: 1q22.
Variant type: single nucleotide variant.
Coding change: c.98A>G on transcript NM_170707.4 (MANE Select); coding-DNA position 98, A replaced by G.
Protein change: p.Glu33Gly; replaces glutamic acid 33 with glycine.
Molecular consequence: missense variant.
Genome position (GRCh38, 1-based): chr1:156,115,016, A>G. VCF-style: chr1-156115016-A-G. GRCh37 (hg19) VCF-style: chr1-156084807-A-G.
Other names: c.98A>G, p.Glu33Gly (NM_001282625.2, NM_001282626.2, NM_005572.4 and 1 more transcripts); c.98A>G (NM_005572.3); short protein forms E33G.
Identifiers: ClinVar variation 66962 (VCV000066962.8), dbSNP rs267607614, ClinGen allele CA018931.